The following is an entry in ClinVar:

ClinVar aggregate classification (germline): Conflicting classifications of pathogenicity. Review status: criteria provided, conflicting classifications (1 of 4 stars). 5 submissions from 5 submitters: Uncertain significance (4); Likely benign (1). Last evaluated 2025-10-09.

Conditions:
Hereditary cancer-predisposing syndrome. Also called: Neoplastic Syndromes, Hereditary; Hereditary Cancer Syndrome; Hereditary neoplastic syndrome; Tumor predisposition. Identifiers: Orphanet 140162, MedGen C0027672, MeSH D009386, MONDO:0015356.
Hereditary breast ovarian cancer syndrome. Also called: Hereditary breast and ovarian cancer syndrome (HBOC); Hereditary breast and ovarian cancer syndrome; Breast and ovarian cancer; Hereditary breast and/or ovarian cancer syndrome; Hereditary breast and ovarian cancer; BRCA1- and BRCA2-Associated Hereditary Breast and Ovarian Cancer. Identifiers: Orphanet 145, MedGen C0677776, MeSH D061325, MONDO:0003582. Disease mechanism: loss of function.

Allele frequency attached by ClinVar (database versions not stated): gnomAD exomes below 0.00001; TOPMed below 0.00001.
gnomAD v4.1: 1 of 1,614,120 alleles (0.000062%); highest among the groups gnomAD compares: Non-Finnish European, 0.000085%; no homozygotes.

Submissions (5):

Labcorp Genetics (formerly Invitae), Labcorp
Classification: Uncertain significance for Hereditary breast ovarian cancer syndrome. Last evaluated: 2025-10-09. Review status: criteria provided, single submitter. Criteria: Invitae Variant Classification Sherloc (09022015). Collection method: clinical testing. Allele origin: germline.
Comment: This sequence change replaces serine, which is neutral and polar, with phenylalanine, which is neutral and non-polar, at codon 950 of the BRCA1 protein (p.Ser950Phe). This variant is not present in population databases (gnomAD no frequency). This variant has not been reported in the literature in individuals affected with BRCA1-related conditions. ClinVar contains an entry for this variant (Variation ID: 462595). Invitae Evidence Modeling of protein sequence and biophysical properties (such as structural, functional, and spatial information, amino acid conservation, physicochemical variation, residue mobility, and thermodynamic stability) indicates that this missense variant is expected to disrupt BRCA1 protein function with a positive predictive value of 80%. In summary, the available evidence is currently insufficient to determine the role of this variant in disease. Therefore, it has been classified as a Variant of Uncertain Significance.

Color Diagnostics, LLC DBA Color Health
Classification: Uncertain significance for Hereditary cancer-predisposing syndrome. Last evaluated: 2025-07-18. Review status: criteria provided, single submitter. Criteria: ACMG Guidelines, 2015. Collection method: clinical testing. Allele origin: germline.
Comment: This missense variant replaces serine with phenylalanine at codon 950 of the BRCA1 protein. Computational prediction suggests that this variant may not impact protein structure and function. To our knowledge, functional studies have not been reported for this variant. This variant has not been reported in individuals affected with BRCA1-related disorders in the literature. This variant has not been identified in the general population by the Genome Aggregation Database (gnomAD). The available evidence is insufficient to determine the role of this variant in disease conclusively. Therefore, this variant is classified as a Variant of Uncertain Significance.

Quest Diagnostics Nichols Institute San Juan Capistrano
Classification: Uncertain significance. Last evaluated: 2024-08-20. Review status: criteria provided, single submitter. Criteria: Quest Diagnostics criteria. Collection method: clinical testing. Allele origin: unknown.
Comment: The BRCA1 c.2849C>T (p.Ser950Phe) variant has been reported in the published literature in individuals with breast cancer in a large scale breast cancer association study (PMID: 33471991 (2021), see also LOVD). It is also described to be located in a region of the BRCA1 gene that is tolerant to missense sequence changes (PMID: 31911673 (2020)). This variant has not been reported in large, multi-ethnic general populations (Genome Aggregation Database). Analysis of this variant using bioinformatics tools for the prediction of the effect of amino acid changes on protein structure and function yielded conflicting predictions that this variant is benign or damaging. Based on the available information, we are unable to determine the clinical significance of this variant.

Ambry Genetics
Classification: Uncertain significance for Hereditary cancer-predisposing syndrome. Last evaluated: 2024-06-14. Review status: criteria provided, single submitter. Criteria: Ambry Variant Classification Scheme 2023. Collection method: clinical testing. Allele origin: germline.
Comment: The p.S950F variant (also known as c.2849C>T), located in coding exon 9 of the BRCA1 gene, results from a C to T substitution at nucleotide position 2849. The serine at codon 950 is replaced by phenylalanine, an amino acid with highly dissimilar properties. This amino acid position is not well conserved in available vertebrate species. In addition, the in silico prediction for this alteration is inconclusive. Since supporting evidence is limited at this time, the clinical significance of this alteration remains unclear.

University of Washington Department of Laboratory Medicine, University of Washington
Classification: Likely benign for Hereditary cancer-predisposing syndrome. Last evaluated: 2023-03-23. Review status: criteria provided, single submitter. Criteria: Dines et al. (Genet Med. 2020). Collection method: curation. Allele origin: germline.
Comment: Missense variant in a coldspot region where missense variants are very unlikely to be pathogenic (PMID:31911673).

BRCA1 coldspot (exon 11 using historical exon numbering). Reclassification based on statistical prior probability

Literature cited by the submitters: PubMed 33471991 (cited by Quest Diagnostics Nichols Institute San Juan Capistrano); PubMed 31911673 (cited by Quest Diagnostics Nichols Institute San Juan Capistrano).

NM_007294.4(BRCA1):c.2849C>T (p.Ser950Phe)

Gene: BRCA1 (BRCA1 DNA repair associated; minus strand). Cytogenetic location: 17q21.31.
Variant type: single nucleotide variant.
Coding change: c.2849C>T on transcript NM_007294.4 (MANE Select); coding-DNA position 2849, C replaced by T.
Protein change: p.Ser950Phe; replaces serine 950 with phenylalanine.
Molecular consequence: missense variant. On other transcripts: intron variant (137).
Genome position (GRCh38, 1-based): chr17:43,092,682, G>A on the plus strand (C>T on the coding strand, the complement: BRCA1 is on the minus strand). VCF-style: chr17-43092682-G-A. GRCh37 (hg19) VCF-style: chr17-41244699-G-A.
Other names: c.2846C>T, p.Ser949Phe (NM_001407644.1, NM_001407645.1, NM_001407587.1 and 22 more transcripts); c.2516C>T, p.Ser839Phe (NM_001407949.1, NM_001407953.1, NM_001407950.1 and 6 more transcripts); c.578-1650C>T (NM_001408482.1, NM_001408484.1, NM_001408478.1 and 9 more transcripts); c.521-1650C>T (NM_001408504.1, NM_001408503.1, NM_001408505.1); c.671-1650C>T (NM_001408418.1, NM_001408422.1, NM_001408423.1 and 2 more transcripts); c.788-1650C>T (NM_001407981.1, NM_001407980.1, NM_001407993.1 and 17 more transcripts); c.707-1650C>T (NM_001408416.1, NM_001408413.1); c.644-1650C>T (NM_001408463.1, NM_001408470.1, NM_001408464.1 and 3 more transcripts); and 41 more; short protein forms S950F, S903F, S838F, S839F, S862F, S909F, S949F, S882F.
Identifiers: ClinVar variation 462595 (VCV000462595.24), dbSNP rs1555588847, ClinGen allele CA10596289.